The following is an entry in ClinVar:

NM_001393769.1(MED12L):c.3437T>A (p.Leu1146His)

Genes: MED12L (mediator complex subunit 12L; plus strand), P2RY12 (purinergic receptor P2Y12; minus strand). Cytogenetic location: 3q25.1.
Variant type: single nucleotide variant.
Coding change: c.3437T>A on transcript NM_001393769.1 (MANE Select); coding-DNA position 3437, T replaced by A.
Protein change: p.Leu1146His; replaces leucine 1146 with histidine.
Molecular consequence: missense variant. On other transcripts: intron variant (1).
Genome position (GRCh38, 1-based): chr3:151,367,755, T>A. VCF-style: chr3-151367755-T-A. GRCh37 (hg19) VCF-style: chr3-151085543-T-A.
Other names: c.3332T>A, p.Leu1111His (NM_053002.6); c.-180+16937A>T (NM_022788.5); short protein forms L1111H, L1146H.
Identifiers: ClinVar variation 4976157 (VCV004976157.1).

ClinVar aggregate classification (germline): Uncertain significance (1 of 4 stars; one submission).

Submission:

GeneDx
Classification: Uncertain significance. Last evaluated: 2026-02-03. Review status: criteria provided, single submitter. Criteria: GeneDx Variant Classification Process June 2021. Collection method: clinical testing. Allele origin: germline.
Comment: Not observed at significant frequency in large population cohorts (gnomAD); In silico analysis supports that this missense variant has a deleterious effect on protein structure/function; Has not been previously published as pathogenic or benign to our knowledge